The following is an entry in ClinVar:

ClinVar aggregate classification (germline): Uncertain significance (1 of 4 stars; one submission).

Submission:

Labcorp Genetics (formerly Invitae), Labcorp
Classification: Uncertain significance. Last evaluated: 2024-07-12. Review status: criteria provided, single submitter. Criteria: Invitae Variant Classification Sherloc (09022015). Collection method: clinical testing. Allele origin: germline.
Comment: This sequence change replaces arginine, which is basic and polar, with tryptophan, which is neutral and slightly polar, at codon 265 of the PALM protein (p.Arg265Trp). This variant is present in population databases (rs376337492, gnomAD 0.02%). This variant has not been reported in the literature in individuals affected with PALM-related conditions. An algorithm developed to predict the effect of missense changes on protein structure and function (PolyPhen-2) suggests that this variant is likely to be disruptive. In summary, the available evidence is currently insufficient to determine the role of this variant in disease. Therefore, it has been classified as a Variant of Uncertain Significance.

NM_002579.3(PALM):c.793C>T (p.Arg265Trp)

Gene: PALM (paralemmin; plus strand). Cytogenetic location: 19p13.3.
Variant type: single nucleotide variant.
Coding change: c.793C>T on transcript NM_002579.3 (MANE Select); coding-DNA position 793, C replaced by T.
Protein change: p.Arg265Trp; replaces arginine 265 with tryptophan.
Molecular consequence: missense variant.
Genome position (GRCh38, 1-based): chr19:746,443, C>T. VCF-style: chr19-746443-C-T. GRCh37 (hg19) VCF-style: chr19-746443-C-T.
Other names: c.661C>T, p.Arg221Trp (NM_001040134.2); short protein forms R265W, R221W.
Identifiers: ClinVar variation 3711939 (VCV003711939.2).
Genomic context (GRCh38, chr19:746,443, plus strand): 5'-AGCGAGGCAGGGTCCACGGCCGGGGCGGCAGAGACCCGGGGGGCTGTGGAGGGGGCAGCC[C>T]GGACCACGCCCTCCCGGCGGGAGATCACCGGTGTGCAGGCACAGCCAGGCGAGGCCACGT-3'
Protein context (NP_002570.2, residues 255-275): ETRGAVEGAA[Arg265Trp]TTPSRREITG